The following is an entry in ClinVar:

NM_001283009.2(RTEL1):c.2899G>A (p.Val967Ile)

Genes: RTEL1 (regulator of telomere elongation helicase 1; plus strand), RTEL1-TNFRSF6B (RTEL1-TNFRSF6B readthrough (NMD candidate); plus strand). Cytogenetic location: 20q13.33.
Variant type: single nucleotide variant.
Coding change: c.2899G>A on transcript NM_001283009.2 (MANE Select); coding-DNA position 2899, G replaced by A.
Protein change: p.Val967Ile; replaces valine 967 with isoleucine.
Molecular consequence: missense variant. On other transcripts: non-coding transcript variant (1).
Genome position (GRCh38, 1-based): chr20:63,693,190, G>A. VCF-style: chr20-63693190-G-A. GRCh37 (hg19) VCF-style: chr20-62324543-G-A.
Other names: c.2230G>A, p.Val744Ile (NM_001283010.1); c.2899G>A, p.Val967Ile (NM_016434.4); c.2971G>A, p.Val991Ile (NM_032957.5); short protein forms V991I, V744I, V967I.
Identifiers: ClinVar variation 2930633 (VCV002930633.3), dbSNP rs149537474, ClinGen allele CA9965649.

ClinVar aggregate classification (germline): Uncertain significance (1 of 4 stars; one submission).

Conditions:
Dyskeratosis congenita, autosomal recessive 5 (DKCB5). Identifiers: MedGen C3554656, MONDO:0014076, OMIM 615190.
Pulmonary fibrosis and/or bone marrow failure, Telomere-related, 3. Also called: PULMONARY FIBROSIS AND/OR BONE MARROW FAILURE SYNDROME, TELOMERE-RELATED, 3. Identifiers: Orphanet 2032, MedGen C4225346, MONDO:0014613, OMIM 616373.

gnomAD v4.1: 14 of 1,612,208 alleles (0.00087%); highest among the groups gnomAD compares: Non-Finnish European, 0.0012%; no homozygotes.

Submission:

Labcorp Genetics (formerly Invitae), Labcorp
Classification: Uncertain significance for Dyskeratosis congenita, autosomal recessive 5; Pulmonary fibrosis and/or bone marrow failure, Telomere-related, 3. Last evaluated: 2023-04-10. Review status: criteria provided, single submitter. Criteria: Invitae Variant Classification Sherloc (09022015). Collection method: clinical testing. Allele origin: germline.
Comment: Algorithms developed to predict the effect of missense changes on protein structure and function output the following: SIFT: "Not Available"; PolyPhen-2: "Benign"; Align-GVGD: "Not Available". The isoleucine amino acid residue is found in multiple mammalian species, which suggests that this missense change does not adversely affect protein function. This variant is present in population databases (rs149537474, gnomAD 0.002%). This variant has not been reported in the literature in individuals affected with RTEL1-related conditions. This sequence change replaces valine, which is neutral and non-polar, with isoleucine, which is neutral and non-polar, at codon 967 of the RTEL1 protein (p.Val967Ile). In summary, the available evidence is currently insufficient to determine the role of this variant in disease. Therefore, it has been classified as a Variant of Uncertain Significance.